The following is an entry in ClinVar:

ClinVar aggregate classification (germline): Uncertain significance (1 of 4 stars; one submission).

Conditions:
Familial hemophagocytic lymphohistiocytosis 3 (FHL3). Also called: UNC13D-Related Familial Hemophagocytic Lymphohistiocytosis (UNC13D-fHLH). Identifiers: Orphanet 540, MedGen C1837174, MONDO:0012146, OMIM 608898.

Allele frequency attached by ClinVar (database versions not stated): gnomAD exomes 0.00001; gnomAD 0.00003; TOPMed 0.00006.
gnomAD v4.1: 8 of 1,613,642 alleles (0.0005%); highest among the groups gnomAD compares: Admixed American, 0.013%; no homozygotes.

Submission:

Labcorp Genetics (formerly Invitae), Labcorp
Classification: Uncertain significance for Familial hemophagocytic lymphohistiocytosis 3. Last evaluated: 2024-09-01. Review status: criteria provided, single submitter. Criteria: Invitae Variant Classification Sherloc (09022015). Collection method: clinical testing. Allele origin: germline.
Comment: This sequence change replaces glycine, which is neutral and non-polar, with arginine, which is basic and polar, at codon 445 of the UNC13D protein (p.Gly445Arg). This variant is present in population databases (no rsID available, gnomAD 0.009%). This variant has not been reported in the literature in individuals affected with UNC13D-related conditions. ClinVar contains an entry for this variant (Variation ID: 2168232). Invitae Evidence Modeling of protein sequence and biophysical properties (such as structural, functional, and spatial information, amino acid conservation, physicochemical variation, residue mobility, and thermodynamic stability) indicates that this missense variant is not expected to disrupt UNC13D protein function with a negative predictive value of 80%. In summary, the available evidence is currently insufficient to determine the role of this variant in disease. Therefore, it has been classified as a Variant of Uncertain Significance.

NM_199242.3(UNC13D):c.1333G>A (p.Gly445Arg)

Gene: UNC13D (unc-13 homolog D; minus strand). Cytogenetic location: 17q25.1.
Variant type: single nucleotide variant.
Coding change: c.1333G>A on transcript NM_199242.3 (MANE Select); coding-DNA position 1333, G replaced by A.
Protein change: p.Gly445Arg; replaces glycine 445 with arginine.
Molecular consequence: missense variant.
Genome position (GRCh38, 1-based): chr17:75,836,395, C>T on the plus strand (G>A on the coding strand, the complement: UNC13D is on the minus strand). VCF-style: chr17-75836395-C-T. GRCh37 (hg19) VCF-style: chr17-73832476-C-T.
Other names: short protein forms G445R.
Identifiers: ClinVar variation 2168232 (VCV002168232.3), dbSNP rs1311287391, ClinGen allele CA401099586.